The following is an entry in ClinVar:

ClinVar aggregate classification (germline): Uncertain significance (1 of 4 stars; one submission).

Submission:

Labcorp Genetics (formerly Invitae), Labcorp
Classification: Uncertain significance. Last evaluated: 2024-03-28. Review status: criteria provided, single submitter. Criteria: Invitae Variant Classification Sherloc (09022015). Collection method: clinical testing. Allele origin: germline.
Comment: This sequence change replaces alanine, which is neutral and non-polar, with threonine, which is neutral and polar, at codon 1055 of the MYO3A protein (p.Ala1055Thr). This variant is not present in population databases (gnomAD no frequency). This variant has not been reported in the literature in individuals affected with MYO3A-related conditions. Advanced modeling of protein sequence and biophysical properties (such as structural, functional, and spatial information, amino acid conservation, physicochemical variation, residue mobility, and thermodynamic stability) performed at Invitae indicates that this missense variant is not expected to disrupt MYO3A protein function with a negative predictive value of 80%. In summary, the available evidence is currently insufficient to determine the role of this variant in disease. Therefore, it has been classified as a Variant of Uncertain Significance.

NM_017433.5(MYO3A):c.3163G>A (p.Ala1055Thr)

Gene: MYO3A (myosin IIIA; plus strand). Cytogenetic location: 10p12.1.
Variant type: single nucleotide variant.
Coding change: c.3163G>A on transcript NM_017433.5 (MANE Select); coding-DNA position 3163, G replaced by A.
Protein change: p.Ala1055Thr; replaces alanine 1055 with threonine.
Molecular consequence: missense variant.
Genome position (GRCh38, 1-based): chr10:26,168,763, G>A. VCF-style: chr10-26168763-G-A. GRCh37 (hg19) VCF-style: chr10-26457692-G-A.
Other names: short protein forms A1055T.
Identifiers: ClinVar variation 3692235 (VCV003692235.2).